The following is an entry in ClinVar:

NM_017763.6(RNF43):c.2126G>T (p.Arg709Met)

Gene: RNF43 (ring finger protein 43; minus strand). Cytogenetic location: 17q22.
Variant type: single nucleotide variant.
Coding change: c.2126G>T on transcript NM_017763.6 (MANE Select); coding-DNA position 2126, G replaced by T.
Protein change: p.Arg709Met; replaces arginine 709 with methionine.
Molecular consequence: missense variant.
Genome position (GRCh38, 1-based): chr17:58,357,650, C>A on the plus strand (G>T on the coding strand, the complement: RNF43 is on the minus strand). VCF-style: chr17-58357650-C-A. GRCh37 (hg19) VCF-style: chr17-56435011-C-A.
Other names: c.2126G>T, p.Arg709Met (NM_001305544.3); c.1745G>T, p.Arg582Met (NM_001305545.2); short protein forms R582M, R709M.
Identifiers: ClinVar variation 2883804 (VCV002883804.7), dbSNP rs972996263, ClinGen allele CA292030461.
Genomic context (GRCh38, chr17:58,357,650, plus strand): 5'-AGGCACAACCACACTGGCTGTGAATTTGAGTAACAGGGGCCTGGGGTTTCTGGTAGCAGC[C>A]TCTTGTCCAGGCCTGGAGGTCCACAGATCAAGGGGTGTGCCTCTGGGGACCAAGGATATG-3'
Protein context (NP_060233.3, residues 699-719): LICGPPGLDK[Arg709Met]LLPETPGPCY

ClinVar aggregate classification (germline): Uncertain significance. Review status: criteria provided, multiple submitters, no conflicts (2 of 4 stars). 4 submissions from 4 submitters: Uncertain significance (4). Last evaluated 2024-12-09.

Conditions:
Sessile serrated polyposis cancer syndrome (SSPCS). Identifiers: Orphanet 157798, MedGen C4310714, MONDO:0014919, OMIM 617108.

Allele frequency attached by ClinVar (database versions not stated): gnomAD 0.00002; TOPMed 0.00003.
gnomAD v4.1: 59 of 1,613,622 alleles (0.0037%); highest among the groups gnomAD compares: Non-Finnish European, 0.0048%; no homozygotes.

Submissions (4):

GeneDx
Classification: Uncertain significance. Last evaluated: 2024-12-09. Review status: criteria provided, single submitter. Criteria: GeneDx Variant Classification Process June 2021. Collection method: clinical testing. Allele origin: germline.
Comment: Not observed at significant frequency in large population cohorts (gnomAD); In silico analysis indicates that this missense variant does not alter protein structure/function; Has not been previously published as pathogenic or benign to our knowledge

Ambry Genetics
Classification: Uncertain significance. Last evaluated: 2024-11-28. Review status: criteria provided, single submitter. Criteria: Ambry Variant Classification Scheme 2023. Collection method: clinical testing. Allele origin: germline.
Comment: The p.R709M variant (also known as c.2126G>T), located in coding exon 8 of the RNF43 gene, results from a G to T substitution at nucleotide position 2126. The arginine at codon 709 is replaced by methionine, an amino acid with similar properties. This amino acid position is conserved. In addition, this alteration is predicted to be tolerated by in silico analysis. Based on the available evidence, the clinical significance of this variant remains unclear.

Fulgent Genetics
Classification: Uncertain significance for Sessile serrated polyposis cancer syndrome. Last evaluated: 2024-06-14. Review status: criteria provided, single submitter. Criteria: ACMG Guidelines, 2015. Collection method: clinical testing. Allele origin: germline.

Labcorp Genetics (formerly Invitae), Labcorp
Classification: Uncertain significance. Last evaluated: 2024-05-29. Review status: criteria provided, single submitter. Criteria: Invitae Variant Classification Sherloc (09022015). Collection method: clinical testing. Allele origin: germline.
Comment: This sequence change replaces arginine, which is basic and polar, with methionine, which is neutral and non-polar, at codon 709 of the RNF43 protein (p.Arg709Met). This variant is present in population databases (no rsID available, gnomAD 0.0009%). This variant has not been reported in the literature in individuals affected with RNF43-related conditions. An algorithm developed to predict the effect of missense changes on protein structure and function (PolyPhen-2) suggests that this variant is likely to be disruptive. In summary, the available evidence is currently insufficient to determine the role of this variant in disease. Therefore, it has been classified as a Variant of Uncertain Significance.